The following is an entry in ClinVar:

NM_003051.4(SLC16A1):c.616G>C (p.Gly206Arg)

Gene: SLC16A1 (solute carrier family 16 member 1; minus strand). Cytogenetic location: 1p13.2.
Variant type: single nucleotide variant.
Coding change: c.616G>C on transcript NM_003051.4 (MANE Select); coding-DNA position 616, G replaced by C.
Protein change: p.Gly206Arg; replaces glycine 206 with arginine.
Molecular consequence: missense variant.
Genome position (GRCh38, 1-based): chr1:112,917,790, C>G on the plus strand (G>C on the coding strand, the complement: SLC16A1 is on the minus strand). VCF-style: chr1-112917790-C-G. GRCh37 (hg19) VCF-style: chr1-113460412-C-G.
Other names: c.616G>C, p.Gly206Arg (NM_001166496.2); short protein forms G206R.
Identifiers: ClinVar variation 2787198 (VCV002787198.3), dbSNP rs1648568941, ClinGen allele CA341828592.

ClinVar aggregate classification (germline): Uncertain significance (1 of 4 stars; one submission).

Allele frequency attached by ClinVar (database versions not stated): gnomAD exomes below 0.00001; gnomAD 0.00001.

Submission:

Labcorp Genetics (formerly Invitae), Labcorp
Classification: Uncertain significance. Last evaluated: 2023-12-04. Review status: criteria provided, single submitter. Criteria: Invitae Variant Classification Sherloc (09022015). Collection method: clinical testing. Allele origin: germline.
Comment: This sequence change replaces glycine, which is neutral and non-polar, with arginine, which is basic and polar, at codon 206 of the SLC16A1 protein (p.Gly206Arg). This variant is not present in population databases (gnomAD no frequency). This variant has not been reported in the literature in individuals affected with SLC16A1-related conditions. Algorithms developed to predict the effect of missense changes on protein structure and function output the following: SIFT: "Not Available"; PolyPhen-2: "Benign"; Align-GVGD: "Not Available". The arginine amino acid residue is found in multiple mammalian species, which suggests that this missense change does not adversely affect protein function. In summary, the available evidence is currently insufficient to determine the role of this variant in disease. Therefore, it has been classified as a Variant of Uncertain Significance.